The following is an entry in ClinVar:

NC_000008.11:g.(?_99142974)_(99143165_?)del

Gene: VPS13B (vacuolar protein sorting 13 homolog B; plus strand). Cytogenetic location: 8q22.2.
Variant type: Deletion.
Identifiers: ClinVar variation 833096 (VCV000833096.5).

ClinVar aggregate classification (germline): Uncertain significance (1 of 4 stars; one submission).

Conditions:
Cohen syndrome (COH1). Also called: Cutis verticis gyrata, retinitis pigmentosa, and sensorineural deafness; PEPPER SYNDROME. Identifiers: Orphanet 193, MedGen C0265223, MONDO:0008999, OMIM 216550.

Submission:

Labcorp Genetics (formerly Invitae), Labcorp
Classification: Uncertain significance for Cohen syndrome. Last evaluated: 2023-08-10. Review status: criteria provided, single submitter. Criteria: Invitae Variant Classification Sherloc (09022015). Collection method: clinical testing. Allele origin: germline.
Comment: This variant is a gross deletion of the genomic region encompassing exon(s) 13 of the VPS13B gene. This variant would be expected to be in-frame, preserving the integrity of the reading frame. This variant has not been reported in the literature in individuals affected with VPS13B-related conditions. Experimental studies and prediction algorithms are not available or were not evaluated, and the functional significance of this variant is currently unknown. In summary, the available evidence is currently insufficient to determine the role of this variant in disease. Therefore, it has been classified as a Variant of Uncertain Significance.